The following is an entry in ClinVar:

NM_000387.6(SLC25A20):c.804del (p.Phe269fs)

Gene: SLC25A20 (solute carrier family 25 member 20; minus strand). Cytogenetic location: 3p21.31.
Variant type: Deletion.
Coding change: c.804del on transcript NM_000387.6 (MANE Select); coding-DNA position 804, one base deleted (G; older notation c.804delG).
Protein change: p.Phe269fs; shifts the reading frame from phenylalanine 269.
Molecular consequence: frameshift variant.
Genome position (GRCh38, 1-based): chr3:48,858,546, C deleted on the plus strand (G on the coding strand, the reverse complement: SLC25A20 is on the minus strand); the first of 3 consecutive C bases (chr3:48,858,546-48,858,548); deleting any one gives the same sequence. VCF-style (leftmost placement, unchanged base first): chr3-48858545-AC-A. GRCh37 (hg19) VCF-style: chr3-48895978-AC-A.
Other names: c.804delG (NM_000387.5); short protein forms F269fs.
Identifiers: ClinVar variation 639496 (VCV000639496.8), dbSNP rs753414360, ClinGen allele CA2387286.

ClinVar aggregate classification (germline): Pathogenic. Review status: criteria provided, multiple submitters, no conflicts (2 of 4 stars). 3 submissions from 3 submitters: Pathogenic (3). Last evaluated 2024-02-02.

Conditions:
Carnitine acylcarnitine translocase deficiency (CACTD). Identifiers: Orphanet 159, MedGen C0342791, MONDO:0008918, OMIM 212138.

Submissions (3):

Fulgent Genetics
Classification: Pathogenic for Carnitine acylcarnitine translocase deficiency. Last evaluated: 2024-02-02. Review status: criteria provided, single submitter. Criteria: ACMG Guidelines, 2015. Collection method: clinical testing. Allele origin: germline.

Labcorp Genetics (formerly Invitae), Labcorp
Classification: Pathogenic for Carnitine acylcarnitine translocase deficiency. Last evaluated: 2023-11-27. Review status: criteria provided, single submitter. Criteria: Invitae Variant Classification Sherloc (09022015). Collection method: clinical testing. Allele origin: germline.
Comment: This sequence change creates a premature translational stop signal (p.Phe269Serfs*4) in the SLC25A20 gene. While this is not anticipated to result in nonsense mediated decay, it is expected to disrupt the last 33 amino acid(s) of the SLC25A20 protein. This variant is present in population databases (rs753414360, gnomAD 0.008%). This premature translational stop signal has been observed in individuals with carnitine-acylcarnitine translocase deficiency (PMID: 12559850, 21605995, 33634872, 35360862). This variant is also known as c.802delG. ClinVar contains an entry for this variant (Variation ID: 639496). This variant disrupts the C-terminus of the SLC25A20 protein. Other variant(s) that disrupt this region (p.Ala281Val) have been observed in individuals with SLC25A20-related conditions (PMID: 15365988). This suggests that this may be a clinically significant region of the protein. For these reasons, this variant has been classified as Pathogenic.

Women's Health and Genetics/Laboratory Corporation of America, LabCorp
Classification: Pathogenic for Carnitine acylcarnitine translocase deficiency. Last evaluated: 2019-02-11. Review status: criteria provided, single submitter. Criteria: LabCorp Variant Classification Summary - May 2015. Collection method: clinical testing. Allele origin: germline.
Comment: Variant summary: The variant, SLC25A20 c.804delG (p.Phe269SerfsX4) results in a premature termination codon, predicted to cause a truncation of the encoded protein or absence of the protein due to nonsense mediated decay, which are commonly known mechanisms for disease. The variant allele was found at a frequency of 7.2e-06 in 277230 control chromosomes (gnomAD) and has been reported in the literature in individuals affected with Carnitine-Acylcarnitine Translocase Deficiency (Costa _2003, Wang _2011). These data indicate that the variant may be associated with disease. At least one publication reports experimental evidence evaluating an impact on protein function. The most pronounced variant effect results in <10% of normal activity (Costa _2003). No clinical diagnostic laboratories have submitted clinical-significance assessments for this variant to ClinVar after 2014. Based on the evidence outlined above, the variant was classified as pathogenic.

Literature cited by the submitters: PubMed 12559850 (cited by Labcorp Genetics (formerly Invitae), Labcorp and Women's Health and Genetics/Laboratory Corporation of America, LabCorp); PubMed 21605995 (cited by Labcorp Genetics (formerly Invitae), Labcorp and Women's Health and Genetics/Laboratory Corporation of America, LabCorp); PubMed 33634872 (cited by Labcorp Genetics (formerly Invitae), Labcorp); PubMed 35360862 (cited by Labcorp Genetics (formerly Invitae), Labcorp); PubMed 15365988 (cited by Labcorp Genetics (formerly Invitae), Labcorp); PubMed 24088670 (cited by Women's Health and Genetics/Laboratory Corporation of America, LabCorp).